The following is an entry in ClinVar:

NM_000257.4(MYH7):c.734G>A (p.Gly245Glu)

Gene: MYH7 (myosin heavy chain 7; minus strand). Cytogenetic location: 14q11.2.
Variant type: single nucleotide variant.
Coding change: c.734G>A on transcript NM_000257.4 (MANE Select); coding-DNA position 734, G replaced by A.
Protein change: p.Gly245Glu; replaces glycine 245 with glutamic acid.
Molecular consequence: missense variant.
Genome position (GRCh38, 1-based): chr14:23,431,480, C>T on the plus strand (G>A on the coding strand, the complement: MYH7 is on the minus strand). VCF-style: chr14-23431480-C-T. GRCh37 (hg19) VCF-style: chr14-23900689-C-T.
Other names: short protein forms G245E.
Identifiers: ClinVar variation 43104 (VCV000043104.12), dbSNP rs397516267, ClinGen allele CA016731.

ClinVar aggregate classification (germline): Uncertain significance. Review status: criteria provided, single submitter (1 of 4 stars). 2 submissions from 2 submitters: Uncertain significance (1). 1 of the submissions does not count toward it. Last evaluated 2024-08-14.

Conditions:
Hypertrophic cardiomyopathy. Also called: HYPERTROPHIC MYOCARDIOPATHY. Identifiers: Orphanet 217569, MedGen C0007194, MeSH D002312, MONDO:0005045, HP:0001639.

Submissions (2):

Labcorp Genetics (formerly Invitae), Labcorp
Classification: Uncertain significance for Hypertrophic cardiomyopathy. Last evaluated: 2024-08-14. Review status: criteria provided, single submitter. Criteria: Invitae Variant Classification Sherloc (09022015). Collection method: clinical testing. Allele origin: germline.
Comment: This sequence change replaces glycine, which is neutral and non-polar, with glutamic acid, which is acidic and polar, at codon 245 of the MYH7 protein (p.Gly245Glu). This variant is not present in population databases (gnomAD no frequency). This missense change has been observed in individual(s) with dilated cardiomyopathy or hypertrophic cardiomyopathy (PMID: 24503780, 37652022). ClinVar contains an entry for this variant (Variation ID: 43104). An algorithm developed to predict the effect of missense changes on protein structure and function (PolyPhen-2) suggests that this variant is likely to be disruptive. This variant is found within a region of MYH7 between codons 181 and 937 that contains the majority of the myosin head domain. Missense variants in this region have been shown to be significantly overrepresented in individuals with hypertrophic cardiomyopathy (PMID: 27532257). In summary, the available evidence is currently insufficient to determine the role of this variant in disease. Therefore, it has been classified as a Variant of Uncertain Significance.

Laboratory for Molecular Medicine, Mass General Brigham Personalized Medicine
Classification: Uncertain significance. Last evaluated: 2014-01-09. Review status: no assertion criteria provided. Collection method: clinical testing. Allele origin: germline. Observed: 1 variant allele. Not counted in ClinVar's aggregate classification.
Comment: proposed classification - variant undergoing re-assessment, contact laboratory

Literature cited by the submitters: PubMed 24503780 (cited by Labcorp Genetics (formerly Invitae), Labcorp); PubMed 37652022 (cited by Labcorp Genetics (formerly Invitae), Labcorp); PubMed 27532257 (cited by Labcorp Genetics (formerly Invitae), Labcorp).